The following is an entry in ClinVar:

NM_000038.6(APC):c.2686G>C (p.Ala896Pro)

Gene: APC (APC regulator of Wnt signaling pathway; plus strand). Cytogenetic location: 5q22.2.
Variant type: single nucleotide variant.
Coding change: c.2686G>C on transcript NM_000038.6 (MANE Select); coding-DNA position 2686, G replaced by C.
Protein change: p.Ala896Pro; replaces alanine 896 with proline.
Molecular consequence: missense variant.
Genome position (GRCh38, 1-based): chr5:112,838,280, G>C. VCF-style: chr5-112838280-G-C. GRCh37 (hg19) VCF-style: chr5-112173977-G-C.
Other names: c.2686G>C, p.Ala896Pro (NM_001127510.3, NM_001354895.2, NM_001407450.1); c.2632G>C, p.Ala878Pro (NM_001127511.3); c.2740G>C, p.Ala914Pro (NM_001354896.2, NM_001407447.1, NM_001407448.1 and 1 more transcripts); c.2716G>C, p.Ala906Pro (NM_001354897.2); c.2611G>C, p.Ala871Pro (NM_001354898.2); c.2602G>C, p.Ala868Pro (NM_001354899.2); c.2563G>C, p.Ala855Pro (NM_001354900.2); c.2509G>C, p.Ala837Pro (NM_001354901.2, NM_001407453.1); and 11 more; short protein forms A871P, A878P, A886P, A924P, A512P, A795P, A906P, A914P.
Identifiers: ClinVar variation 1794731 (VCV001794731.2), dbSNP rs1222584945, ClinGen allele CA16027196.

ClinVar aggregate classification (germline): Uncertain significance (1 of 4 stars; one submission).

Conditions:
Hereditary cancer-predisposing syndrome. Also called: Tumor predisposition; Hereditary Cancer Syndrome; Neoplastic Syndromes, Hereditary; Hereditary neoplastic syndrome. Identifiers: Orphanet 140162, MedGen C0027672, MeSH D009386, MONDO:0015356.

gnomAD v4.1: 1 of 1,614,206 alleles (0.000062%); highest among the groups gnomAD compares: Admixed American, 0.0017%; no homozygotes.

Submission:

Ambry Genetics
Classification: Uncertain significance for Hereditary cancer-predisposing syndrome. Last evaluated: 2021-10-04. Review status: criteria provided, single submitter. Criteria: Ambry Variant Classification Scheme 2023. Collection method: clinical testing. Allele origin: germline.
Comment: The p.A896P variant (also known as c.2686G>C), located in coding exon 15 of the APC gene, results from a G to C substitution at nucleotide position 2686. The alanine at codon 896 is replaced by proline, an amino acid with highly similar properties. This amino acid position is not well conserved in available vertebrate species. In addition, in silico predictors for this gene do not accurately predict pathogenicity. Since supporting evidence is limited at this time, the clinical significance of this alteration remains unclear.